The following is an entry in ClinVar:

NM_000548.5(TSC2):c.1600-2A>G

Gene: TSC2 (TSC complex subunit 2; plus strand). Cytogenetic location: 16p13.3.
Variant type: single nucleotide variant.
Coding change: c.1600-2A>G on transcript NM_000548.5 (MANE Select); the canonical splice acceptor site of the intron before coding-DNA position 1600, A replaced by G.
Molecular consequence: splice acceptor variant.
Genome position (GRCh38, 1-based): chr16:2,065,517, A>G. VCF-style: chr16-2065517-A-G. GRCh37 (hg19) VCF-style: chr16-2115518-A-G.
Other names: NC_000016.9:g.2115518A>G; c.256-2A>G (NM_001406693.1, NM_001406689.1, NM_001406690.1 and 6 more transcripts); c.1690-2A>G (NM_001406667.1, NM_001406668.1); c.1000-2A>G (NM_001406680.1, NM_001406683.1, NM_001406687.1 and 6 more transcripts); c.-3-2A>G (NM_001406698.1); c.1600-2A>G (NM_001114382.3, NM_001406663.1, NM_001406664.1 and 6 more transcripts); c.1588-2A>G (NM_001406671.1, NM_001406673.1); c.1138-2A>G (NM_001406681.1); and 4 more.
Identifiers: ClinVar variation 427997 (VCV000427997.8), dbSNP rs1114167466, ClinGen allele CA394267513.

ClinVar aggregate classification (germline): Pathogenic/Likely pathogenic. Review status: criteria provided, multiple submitters, no conflicts (2 of 4 stars). 2 submissions from 2 submitters: Pathogenic (1); Likely pathogenic (1). Last evaluated 2018-11-19.

Conditions:
Isolated focal cortical dysplasia type II (FCORD2). Also called: Focal cortical dysplasia type II; CORTICAL DYSPLASIA OF TAYLOR. Identifiers: Orphanet 268994, MedGen C1846385, MONDO:0011818, OMIM 607341, HP:0032051.
Tuberous sclerosis 2 (TSC2). Identifiers: Orphanet 805, MedGen C1860707, MONDO:0013199, OMIM 613254.
Lymphangiomyomatosis (LAM). Also called: Lymphangioleiomyomatosis, somatic; Lymphangioleiomyomatosis. Identifiers: Orphanet 538, MedGen C0751674, MONDO:0011705, OMIM 606690.
Hereditary cancer-predisposing syndrome. Also called: Hereditary neoplastic syndrome; Neoplastic Syndromes, Hereditary; Hereditary Cancer Syndrome; Tumor predisposition. Identifiers: Orphanet 140162, MedGen C0027672, MeSH D009386, MONDO:0015356.

Submissions (3):

Ambry Genetics
Classification: Pathogenic for Hereditary cancer-predisposing syndrome. Last evaluated: 2018-11-19. Review status: criteria provided, single submitter. Criteria: Ambry Variant Classification Scheme 2023. Collection method: clinical testing. Allele origin: germline.
Comment: The c.1600-2A>G intronic variant results from an A to G substitution two nucleotides upstream from coding exon 15 in the TSC2 gene. This nucleotide position is highly conserved in available vertebrate species. Using the BDGP and ESEfinder splice site prediction tools, this alteration is predicted shift the native acceptor site upstream by one nucleotide, however, direct evidence is unavailable. This alteration has been observed as a de novo alteration in at least one individual who has a personal history that is consistent with TSC2-associated disease (Ambry internal data). In addition, alterations that disrupt the canonical splice site are expected to cause aberrant splicing, resulting in an abnormal protein or a transcript that is subject to nonsense-mediated mRNA decay. As such, this alteration is interpreted as a disease-causing mutation.

Juno Genomics, Hangzhou Juno Genomics, Inc
Classification: Likely pathogenic for Tuberous sclerosis 2; Isolated focal cortical dysplasia type II; Lymphangiomyomatosis. Review status: criteria provided, single submitter. Criteria: ACMG Guidelines, 2015. Collection method: clinical testing. Allele origin: germline.
Comment: Absent from controls (or at extremely low frequency if recessive) in Genome Aggregation Database.;Null variant in a gene where loss of function (LOF) is a known mechanism of disease.;Patient's phenotype or family history is highly specific for a disease with a single genetic etiology.

Dr. Peter K. Rogan Lab, Western University
No classification provided (evidence only). Condition: Melanoma. Review status: no classification provided. Collection method: in vitro. Allele origin: not applicable. Functional consequence: retained intron. Not counted in ClinVar's aggregate classification.